The following is an entry in ClinVar:

NM_020944.3(GBA2):c.1058T>C (p.Phe353Ser)

Gene: GBA2 (glucosylceramidase beta 2; minus strand). Cytogenetic location: 9p13.3.
Variant type: single nucleotide variant.
Coding change: c.1058T>C on transcript NM_020944.3 (MANE Select); coding-DNA position 1058, T replaced by C.
Protein change: p.Phe353Ser; replaces phenylalanine 353 with serine.
Molecular consequence: missense variant.
Genome position (GRCh38, 1-based): chr9:35,740,597, A>G on the plus strand (T>C on the coding strand, the complement: GBA2 is on the minus strand). VCF-style: chr9-35740597-A-G. GRCh37 (hg19) VCF-style: chr9-35740594-A-G.
Other names: c.1058T>C, p.Phe353Ser (NM_001330660.2); short protein forms F353S.
Identifiers: ClinVar variation 458298 (VCV000458298.9), dbSNP rs1342067395, ClinGen allele CA373415746.

ClinVar aggregate classification (germline): Uncertain significance (1 of 4 stars; one submission).

Conditions:
Spastic paraplegia. Identifiers: MedGen C0037772, HP:0001258.

Allele frequency attached by ClinVar (database versions not stated): gnomAD exomes below 0.00001; TOPMed below 0.00001; gnomAD 0.00003.
gnomAD v4.1: 2 of 1,614,058 alleles (0.00012%); highest among the groups gnomAD compares: Non-Finnish European, 0.00017%; no homozygotes.

Submission:

Labcorp Genetics (formerly Invitae), Labcorp
Classification: Uncertain significance for Spastic paraplegia. Last evaluated: 2020-08-25. Review status: criteria provided, single submitter. Criteria: Invitae Variant Classification Sherloc (09022015). Collection method: clinical testing. Allele origin: germline.
Comment: This sequence change replaces phenylalanine with serine at codon 353 of the GBA2 protein (p.Phe353Ser). The phenylalanine residue is highly conserved and there is a large physicochemical difference between phenylalanine and serine. This variant is not present in population databases (ExAC no frequency). This variant has not been reported in the literature in individuals with a GBA2-related disease. Algorithms developed to predict the effect of missense changes on protein structure and function do not agree on the potential impact of this missense change (SIFT: "Deleterious"; PolyPhen-2: "Probably Damaging"; Align-GVGD: "Class C0"). In summary, this variant has uncertain impact on GBA2 function. The available evidence is currently insufficient to determine its role in disease. Therefore, it has been classified as a Variant of Uncertain Significance.